The following is an entry in ClinVar:

ClinVar aggregate classification (germline): Conflicting classifications of pathogenicity. Review status: criteria provided, conflicting classifications (1 of 4 stars). 5 submissions from 5 submitters: Uncertain significance (2); Likely benign (3). Last evaluated 2026-01-19.

Conditions:
Inborn genetic diseases. Identifiers: MedGen C0950123, MeSH D030342.

Allele frequency attached by ClinVar (database versions not stated): gnomAD 0.00004; TOPMed 0.00008; ExAC 0.00011; gnomAD exomes 0.00011; 1000 Genomes Project 30x 0.00016; 1000 Genomes Project 0.00020.
gnomAD v4.1: 29 of 1,612,748 alleles (0.0018%); highest among the groups gnomAD compares: East Asian, 0.058%; no homozygotes.

Submissions (5):

Labcorp Genetics (formerly Invitae), Labcorp
Classification: Likely benign. Last evaluated: 2026-01-19. Review status: criteria provided, single submitter. Criteria: Invitae Variant Classification Sherloc (09022015). Collection method: clinical testing. Allele origin: germline.

Women's Health and Genetics/Laboratory Corporation of America, LabCorp
Classification: Likely benign. Last evaluated: 2024-11-13. Review status: criteria provided, single submitter. Criteria: LabCorp Variant Classification Summary - May 2015. Collection method: clinical testing. Allele origin: germline.
Comment: Variant summary: ADGRV1 c.12682A>G (p.Ile4228Val) results in a conservative amino acid change located in the CalX-like domain (IPR038081) of the encoded protein sequence. Five of five in-silico tools predict a benign effect of the variant on protein function. The variant allele was found at a frequency of 0.00011 in 247258 control chromosomes, predominantly at a frequency of 0.0016 within the East Asian subpopulation in the gnomAD database. The observed variant frequency within East Asian control individuals in the gnomAD database exceeds the estimated maximal expected allele frequency for a pathogenic variant in ADGRV1 causing ADGRV1-Related Disorders phenotype. To our knowledge, no occurrence of c.12682A>G in individuals affected with ADGRV1-Related Disorders and no experimental evidence demonstrating its impact on protein function have been reported. ClinVar contains an entry for this variant (Variation ID: 499426). Based on the evidence outlined above, the variant was classified as likely benign.

Ambry Genetics
Classification: Likely benign for Inborn genetic diseases. Last evaluated: 2024-04-12. Review status: criteria provided, single submitter. Criteria: Ambry Variant Classification Scheme 2023. Collection method: clinical testing. Allele origin: germline.

Blueprint Genetics
Classification: Uncertain significance. Last evaluated: 2022-05-31. Review status: criteria provided, single submitter. Criteria: ACMG Guidelines, 2015. Collection method: clinical testing. Allele origin: germline.

Eurofins Ntd Llc (ga)
Classification: Uncertain significance. Last evaluated: 2017-01-11. Review status: criteria provided, single submitter. Criteria: EGL Classification Definitions 2015. Collection method: clinical testing. Allele origin: germline. Observed: 1 variant allele, 1 heterozygote.

NM_032119.4(ADGRV1):c.12682A>G (p.Ile4228Val)

Gene: ADGRV1 (adhesion G protein-coupled receptor V1; plus strand). Cytogenetic location: 5q14.3.
Variant type: single nucleotide variant.
Coding change: c.12682A>G on transcript NM_032119.4 (MANE Select); coding-DNA position 12682, A replaced by G.
Protein change: p.Ile4228Val; replaces isoleucine 4228 with valine.
Molecular consequence: missense variant. On other transcripts: non-coding transcript variant (1).
Genome position (GRCh38, 1-based): chr5:90,778,442, A>G. VCF-style: chr5-90778442-A-G. GRCh37 (hg19) VCF-style: chr5-90074259-A-G.
Other names: c.12682A>G (NM_032119.3); short protein forms I4228V.
Identifiers: ClinVar variation 499426 (VCV000499426.14), dbSNP rs532836800, ClinGen allele CA3341317.
Genomic context (GRCh38, chr5:90,778,442, plus strand): 5'-AAATTCCACAGATTCTACTGTTGATGACTCTTTGTCTTTTTCTAGGCTTTGAACGATGAC[A>G]TTCCCGAGGAAAAAAGCTTCTATGAGTTTCAGCTCACTGCAGTCAGTGAGGGAGGAGTTC-3'
Protein context (NP_115495.3, residues 4218-4238): IVVIQALNDD[Ile4228Val]PEEKSFYEFQ